The following is an entry in ClinVar:

NM_001378477.3(NYX):c.920A>G (p.Asn307Ser)

Gene: NYX (nyctalopin; plus strand). Cytogenetic location: Xp11.4.
Variant type: single nucleotide variant.
Coding change: c.920A>G on transcript NM_001378477.3 (MANE Select); coding-DNA position 920, A replaced by G.
Protein change: p.Asn307Ser; replaces asparagine 307 with serine.
Molecular consequence: missense variant.
Genome position (GRCh38, 1-based): chrX:41,474,388, A>G. VCF-style: chrX-41474388-A-G. GRCh37 (hg19) VCF-style: chrX-41333641-A-G.
Other names: c.920A>G, p.Asn307Ser (NM_022567.3); short protein forms N312S, N307S.
Identifiers: ClinVar variation 99844 (VCV000099844.9), dbSNP rs62637035, ClinGen allele CA227958.
Genomic context (GRCh38, chrX:41,474,388, plus strand): 5'-TCGTGGAGGAGGGCGCCTTCCAGAACCTCTCGGGTCTCCTCGCGCTGCACCTCAACGGCA[A>G]CCGCCTCACCGTGCTCGCCTGGGTCGCCTTCCAGCCCGGCTTCTTCCTGGGCCGCCTCTT-3'
Protein context (NP_001365406.2, residues 297-317): SGLLALHLNG[Asn307Ser]RLTVLAWVAF

ClinVar aggregate classification (germline): Conflicting classifications of pathogenicity. Review status: criteria provided, conflicting classifications (1 of 4 stars). 6 submissions from 6 submitters: Likely pathogenic (2); Uncertain significance (1). 3 of the submissions do not count toward it. Last evaluated 2024-01-18.

Conditions:
NYX-related disorder. Also called: NYX-related condition.

Allele frequency attached by ClinVar (database versions not stated): gnomAD exomes below 0.00001.

Submissions (6):

Labcorp Genetics (formerly Invitae), Labcorp
Classification: Uncertain significance. Last evaluated: 2024-01-18. Review status: criteria provided, single submitter. Criteria: Invitae Variant Classification Sherloc (09022015). Collection method: clinical testing. Allele origin: germline.
Comment: This sequence change replaces asparagine, which is neutral and polar, with serine, which is neutral and polar, at codon 312 of the NYX protein (p.Asn312Ser). This variant is not present in population databases (gnomAD no frequency). This missense change has been observed in individuals with night blindness (PMID: 11062472). ClinVar contains an entry for this variant (Variation ID: 99844). Advanced modeling of protein sequence and biophysical properties (such as structural, functional, and spatial information, amino acid conservation, physicochemical variation, residue mobility, and thermodynamic stability) performed at Invitae indicates that this missense variant is not expected to disrupt NYX protein function with a negative predictive value of 80%. In summary, the available evidence is currently insufficient to determine the role of this variant in disease. Therefore, it has been classified as a Variant of Uncertain Significance.

PreventionGenetics, part of Exact Sciences
Classification: Likely pathogenic for NYX-related condition. Last evaluated: 2023-06-19. Review status: criteria provided, single submitter. Criteria: ACMG Guidelines, 2015. Collection method: clinical testing. Allele origin: germline.
Comment: The NYX c.935A>G variant is predicted to result in the amino acid substitution p.Asn312Ser. This variant has been reported in individuals with congenital stationary night blindness (Pusch et al. 2000. PubMed ID: 11062472; Table S7 in Perea-Romero et al. 2021. PubMed ID: 34448047). An alternate substitution of this amino acid (p.Asn312Lys) has also been reported in an individual with an inherited retinal dystrophy (Carss et al. 2017. PubMed ID: 28041643). This p.Asn312Ser variant has not been reported in a large population database, indicating this variant is rare. Given the evidence, we interpret c.935A>G (p.Asn312Ser) as likely pathogenic.

GeneDx
Classification: Likely pathogenic. Last evaluated: 2017-02-09. Review status: criteria provided, single submitter. Criteria: GeneDx Variant Classification (06012015). Collection method: clinical testing. Allele origin: germline. Affected: yes.
Comment: The N312S variant in the NYX gene has been reported previously in affected individuals from two families with congenital stationary night blindness (Pusch et al., 2000). The N312S variant is not observed in large population cohorts (Lek et al., 2016; 1000 Genomes Consortium et al., 2015; Exome Variant Server). The N312S variant is a conservative amino acid substitution, which is not likely to impact secondary protein structure as these residues share similar properties. However, this substitution occurs at a position that is conserved across species, and in silico analysis predicts this variant is probably damaging to the protein structure/function. A missense variants in a nearby residue (L307P) has been reported in the Human Gene Mutation Database in association with congenital stationary night blindness (Stenson et al., 2014), supporting the functional importance of this region of the protein. The N312S variant is a strong candidate for a pathogenic variant, however the possibility it may be a rare benign variant cannot be excluded.

Clinical Genetics DNA and cytogenetics Diagnostics Lab, Erasmus MC, Erasmus Medical Center
Classification: Pathogenic. Review status: no assertion criteria provided. Collection method: clinical testing. Allele origin: germline. Affected: yes. Study: VKGL Data-share Consensus. Not counted in ClinVar's aggregate classification.

Joint Genome Diagnostic Labs from Nijmegen and Maastricht, Radboudumc and MUMC+
Classification: Likely pathogenic. Review status: no assertion criteria provided. Collection method: clinical testing. Allele origin: germline. Affected: yes. Study: VKGL Data-share Consensus. Not counted in ClinVar's aggregate classification.

Retina International
No classification provided. Review status: no classification provided. Collection method: not provided. Allele origin: not provided. Not counted in ClinVar's aggregate classification.

Literature cited by the submitters: PubMed 11062472 (cited by Labcorp Genetics (formerly Invitae), Labcorp).